The following is an entry in ClinVar:

ClinVar aggregate classification (germline): Uncertain significance (1 of 4 stars; one submission).

Conditions:
Familial intrahepatic cholestasis. Identifiers: Orphanet 284385, MedGen CN296401, MONDO:0017290.
Low phospholipid associated cholelithiasis (GBD1). Also called: Gallbladder disease 1; Gallstone cholecystitis. Identifiers: Orphanet 69663, MedGen C2609268, MONDO:0010939, OMIM 600803.

Submission:

Genomenon, Inc
Classification: Uncertain significance for Familial intrahepatic cholestasis; Low phospholipid associated cholelithiasis. Last evaluated: 2026-04-14. Review status: criteria provided, single submitter. Criteria: Genomenon Sequence Variant Interpretation Standards - Updated. Collection method: curation. Allele origin: germline. Affected: no.
Comment: ABCB4 c.*37T>G is a variant located in the 3′ untranslated region (3′ UTR). This variant has been reported in the published literature (PMID:30079523). It is absent or not present at a significant frequency in gnomAD. In conclusion, we classify ABCB4 c.*37T>G as a variant of uncertain significance.

Literature cited by the submitters: PubMed 30079523.

NM_000443.4(ABCB4):c.*37T>G

Gene: ABCB4 (ATP binding cassette subfamily B member 4; minus strand). Cytogenetic location: 7q21.12.
Variant type: single nucleotide variant.
Coding change: c.*37T>G on transcript NM_000443.4 (MANE Select); 37 bases downstream of the stop codon, T replaced by G.
Molecular consequence: 3 prime UTR variant.
Genome position (GRCh38, 1-based): chr7:87,402,059, A>C on the plus strand (T>G on the coding strand, the complement: ABCB4 is on the minus strand). VCF-style: chr7-87402059-A-C. GRCh37 (hg19) VCF-style: chr7-87031375-A-C.
Other names: c.*37T>G (NM_018849.3, NM_018850.3).
Identifiers: ClinVar variation 4846327 (VCV004846327.1).